The following is an entry in ClinVar:

NM_020458.4(TTC7A):c.2114A>G (p.Gln705Arg)

Gene: TTC7A (tetratricopeptide repeat domain 7A; plus strand). Cytogenetic location: 2p21.
Variant type: single nucleotide variant.
Coding change: c.2114A>G on transcript NM_020458.4 (MANE Select); coding-DNA position 2114, A replaced by G.
Protein change: p.Gln705Arg; replaces glutamine 705 with arginine.
Molecular consequence: missense variant.
Genome position (GRCh38, 1-based): chr2:47,051,842, A>G. VCF-style: chr2-47051842-A-G. GRCh37 (hg19) VCF-style: chr2-47278981-A-G.
Other names: c.2186A>G, p.Gln729Arg (NM_001288951.2); c.2012A>G, p.Gln671Arg (NM_001288953.2); c.1052A>G, p.Gln351Arg (NM_001288955.2); short protein forms Q351R, Q671R, Q705R, Q729R.
Identifiers: ClinVar variation 3389978 (VCV003389978.14).

ClinVar aggregate classification (germline): Uncertain significance (1 of 4 stars; one submission).

gnomAD v4.1: 1 of 1,612,146 alleles (0.000062%); highest among the groups gnomAD compares: African/African-American, 0.0013%; no homozygotes.

Submission:

CeGaT Center for Human Genetics Tuebingen
Classification: Uncertain significance. Last evaluated: 2024-10-01. Review status: criteria provided, single submitter. Criteria: CeGaT Center For Human Genetics Tuebingen Variant Classification Criteria Version 2. Collection method: clinical testing. Allele origin: germline. Affected: yes. Observed: 1 variant allele.
Comment: TTC7A: PM2